The following is an entry in ClinVar:

NM_058195.4(CDKN2A):c.136G>A (p.Val46Met)

Gene: CDKN2A (cyclin dependent kinase inhibitor 2A; minus strand). Cytogenetic location: 9p21.3.
Variant type: single nucleotide variant.
Coding change: c.136G>A on transcript NM_058195.4 (MANE Plus Clinical); coding-DNA position 136, G replaced by A.
Protein change: p.Val46Met; replaces valine 46 with methionine.
Molecular consequence: missense variant. On other transcripts: intron variant (1).
Genome position (GRCh38, 1-based): chr9:21,994,196, C>T on the plus strand (G>A on the coding strand, the complement: CDKN2A is on the minus strand). VCF-style: chr9-21994196-C-T. GRCh37 (hg19) VCF-style: chr9-21994195-C-T.
Other names: c.-4+625G>A (NM_001363763.2); short protein forms V46M.
Identifiers: ClinVar variation 187095 (VCV000187095.14), dbSNP rs786203467, ClinGen allele CA196724.

ClinVar aggregate classification (germline): Uncertain significance. Review status: criteria provided, multiple submitters, no conflicts (2 of 4 stars). 4 submissions from 4 submitters: Uncertain significance (4). Last evaluated 2024-04-19.

Conditions:
Melanoma, cutaneous malignant, susceptibility to, 2 (CMM2). Also called: CDKN2A-Related Cutaneous Malignant Melanoma; Cutaneous malignant melanoma 2. Identifiers: Orphanet 618, MedGen C1835044, MONDO:0007964, OMIM 155601.
Melanoma and neural system tumor syndrome. Also called: MELANOMA-ASTROCYTOMA SYNDROME. Identifiers: Orphanet 252206, MedGen C1835042, MONDO:0007967, OMIM 155755.
Melanoma-pancreatic cancer syndrome. Identifiers: Orphanet 404560, MedGen C1838547, MONDO:0011713, OMIM 606719. Disease mechanism: loss of function.
Familial melanoma. Also called: Hereditary melanoma; Hereditary cutaneous melanoma. Identifiers: Orphanet 618, MedGen C1512419, MONDO:0018961.
Hereditary cancer-predisposing syndrome. Also called: Hereditary Cancer Syndrome; Tumor predisposition; Neoplastic Syndromes, Hereditary; Hereditary neoplastic syndrome. Identifiers: Orphanet 140162, MedGen C0027672, MeSH D009386, MONDO:0015356.

Allele frequency attached by ClinVar (database versions not stated): gnomAD exomes below 0.00001; TOPMed 0.00001; gnomAD 0.00001.
gnomAD v4.1: 3 of 1,606,346 alleles (0.00019%); highest among the groups gnomAD compares: African/African-American, 0.0027%; no homozygotes.

Submissions (4):

Fulgent Genetics
Classification: Uncertain significance for Melanoma, cutaneous malignant, susceptibility to, 2; Melanoma and neural system tumor syndrome; Melanoma-pancreatic cancer syndrome. Last evaluated: 2024-04-19. Review status: criteria provided, single submitter. Criteria: ACMG Guidelines, 2015. Collection method: clinical testing. Allele origin: germline.

Ambry Genetics
Classification: Uncertain significance for Hereditary cancer-predisposing syndrome. Last evaluated: 2024-03-27. Review status: criteria provided, single submitter. Criteria: Ambry Variant Classification Scheme 2023. Collection method: clinical testing. Allele origin: germline.
Comment: The p.V46M variant (also known as c.136G>A), located in coding exon 1 of the CDKN2A (p14ARF) gene, results from a G to A substitution at nucleotide position 136. The valine at codon 46 is replaced by methionine, an amino acid with highly similar properties. This amino acid position is well conserved in available vertebrate species. In addition, this alteration is predicted to be tolerated by in silico analysis. Since supporting evidence is limited at this time, the clinical significance of this alteration remains unclear.

Baylor Genetics
Classification: Uncertain significance for Melanoma and neural system tumor syndrome. Last evaluated: 2023-08-08. Review status: criteria provided, single submitter. Criteria: ACMG Guidelines, 2015. Collection method: clinical testing. Allele origin: unknown.

Labcorp Genetics (formerly Invitae), Labcorp
Classification: Uncertain significance for Familial melanoma. Last evaluated: 2021-07-13. Review status: criteria provided, single submitter. Criteria: Invitae Variant Classification Sherloc (09022015). Collection method: clinical testing. Allele origin: germline.